The following is an entry in ClinVar:

ClinVar aggregate classification (germline): Uncertain significance (1 of 4 stars; one submission).

Submission:

OLLIN Analises Genomicas, OLLIN
Classification: Uncertain significance. Last evaluated: 2026-08-06. Review status: criteria provided, single submitter. Criteria: ACMG Guidelines 2015 PMID 25741868. Collection method: clinical testing. Allele origin: germline.
Comment: This missense variant, located in exon 8 (of 15), is absent from gnomAD and ClinVar and has not been identified in the literature. In silico analysis predicts that this variant has a deleterious effect. This variant is located in a region considered to be a mutational hotspot. This gene is constrained for missense variation. According to the currently available evidence, this variant has been classified as uncertain significance (PM1_P, PM2_P, PP2, PP3_M).

NM_001363.5(DKC1):c.749G>T (p.Arg250Leu)

Gene: DKC1 (dyskerin pseudouridine synthase 1; plus strand). Cytogenetic location: Xq28.
Variant type: single nucleotide variant.
Coding change: c.749G>T on transcript NM_001363.5 (MANE Select); coding-DNA position 749, G replaced by T.
Protein change: p.Arg250Leu; replaces arginine 250 with leucine.
Molecular consequence: missense variant. On other transcripts: non-coding transcript variant (3).
Genome position (GRCh38, 1-based): chrX:154,768,410, G>T. VCF-style: chrX-154768410-G-T. GRCh37 (hg19) VCF-style: chrX-153996685-G-T.
Other names: c.749G>T, p.Arg250Leu (NM_001142463.3, NM_001288747.2); short protein forms R250L.
Identifiers: ClinVar variation 5003177 (VCV005003177.1).